The following is an entry in ClinVar:

ClinVar aggregate classification (germline): Pathogenic. Review status: criteria provided, multiple submitters, no conflicts (2 of 4 stars). 2 submissions from 2 submitters: Pathogenic (2). Last evaluated 2018-10-22.

Conditions:
Monocytopenia with susceptibility to infections. Also called: IMMUNODEFICIENCY 21; GATA2 DEFICIENCY; MONOCYTOPENIA AND MYCOBACTERIAL INFECTION SYNDROME; MONOCYTOPENIA WITH SUSCEPTIBILITY TO MYCOBACTERIAL, FUNGAL, AND PAPILLOMAVIRUS INFECTIONS AND MYELODYSPLASIA; COMBINED IMMUNODEFICIENCY WITH SUSCEPTIBILITY TO MYCOBACTERIAL, VIRAL, AND FUNGAL INFECTIONS; Dendritic cell, monocyte, B lymphocyte, and natural killer lymphocyte deficiency. Identifiers: Orphanet 228423, MedGen C3280030, MONDO:0013607, OMIM 614172.
Deafness-lymphedema-leukemia syndrome. Also called: Lymphedema, primary, with myelodysplasia; Emberger syndrome. Identifiers: Orphanet 3226, MedGen C3279664, MONDO:0013540, OMIM 614038.

Submissions (2):

Labcorp Genetics (formerly Invitae), Labcorp
Classification: Pathogenic for Monocytopenia with susceptibility to infections; Deafness-lymphedema-leukemia syndrome. Last evaluated: 2018-10-22. Review status: criteria provided, single submitter. Criteria: Invitae Variant Classification Sherloc (09022015). Collection method: clinical testing. Allele origin: germline.
Comment: This sequence change creates a premature translational stop signal (p.Lys324Argfs*2) in the GATA2 gene. It is expected to result in an absent or disrupted protein product. For these reasons, this variant has been classified as Pathogenic. Loss-of-function variants in GATA2 are known to be pathogenic (PMID: 21670465, 23223431). This variant has not been reported in the literature in individuals with GATA2-related disease. This variant is not present in population databases (ExAC no frequency).

Baylor Genetics
Classification: Pathogenic for Monocytopenia with susceptibility to infections. Last evaluated: 2018-09-21. Review status: criteria provided, single submitter. Criteria: ACMG Guidelines, 2015. Collection method: clinical testing. Allele origin: paternal. Affected: yes.
Comment: This variant was determined to be pathogenic according to ACMG Guidelines, 2015 [PMID:25741868].

Literature cited by the submitters: PubMed 21670465 (cited by Labcorp Genetics (formerly Invitae), Labcorp); PubMed 23223431 (cited by Labcorp Genetics (formerly Invitae), Labcorp).

NM_032638.5(GATA2):c.971del (p.Lys324fs)

Gene: GATA2 (GATA binding protein 2; minus strand). Cytogenetic location: 3q21.3.
Variant type: Deletion.
Coding change: c.971del on transcript NM_032638.5 (MANE Select); coding-DNA position 971, one base deleted (A; older notation c.971delA).
Protein change: p.Lys324fs; shifts the reading frame from lysine 324.
Molecular consequence: frameshift variant.
Genome position (GRCh38, 1-based): chr3:128,483,906, T deleted on the plus strand (A on the coding strand, the reverse complement: GATA2 is on the minus strand); the first of 2 consecutive T bases (chr3:128,483,906-128,483,907); deleting either gives the same sequence. VCF-style (leftmost placement, unchanged base first): chr3-128483905-CT-C. GRCh37 (hg19) VCF-style: chr3-128202748-CT-C.
Other names: c.971delA (NM_032638.4); c.971del, p.Lys324fs (NM_001145661.2, NM_001145662.1); short protein forms K324fs.
Identifiers: ClinVar variation 646586 (VCV000646586.7), dbSNP rs1576746862, ClinGen allele CA915941562.